The following is an entry in ClinVar:

NM_004385.5(VCAN):c.8362A>G (p.Met2788Val)

Genes: VCAN (versican; plus strand), VCAN-AS1 (VCAN antisense RNA 1; minus strand). Cytogenetic location: 5q14.3.
Variant type: single nucleotide variant.
Coding change: c.8362A>G on transcript NM_004385.5 (MANE Select); coding-DNA position 8362, A replaced by G.
Protein change: p.Met2788Val; replaces methionine 2788 with valine.
Molecular consequence: missense variant. On other transcripts: intron variant (2).
Genome position (GRCh38, 1-based): chr5:83,541,365, A>G. VCF-style: chr5-83541365-A-G. GRCh37 (hg19) VCF-style: chr5-82837184-A-G.
Other names: c.5401A>G, p.Met1801Val (NM_001164097.2); c.4004-4172A>G (NM_001164098.2); c.1043-4172A>G (NM_001126336.3); short protein forms M2788V, M1801V.
Identifiers: ClinVar variation 354458 (VCV000354458.14), dbSNP rs201444192, ClinGen allele CA3333791.

ClinVar aggregate classification (germline): Conflicting classifications of pathogenicity. Review status: criteria provided, conflicting classifications (1 of 4 stars). 4 submissions from 4 submitters: Uncertain significance (2); Benign (1); Likely benign (1). Last evaluated 2026-03-09.

Conditions:
VCAN-related disorder. Also called: VCAN-related condition.
Vitreoretinopathy. Also called: Vitreoretinal degeneration. Identifiers: MedGen C0344290, MONDO:0020248, HP:0007773.
Inborn genetic diseases. Identifiers: MedGen C0950123, MeSH D030342.

Allele frequency attached by ClinVar (database versions not stated): gnomAD 0.00001; TOPMed 0.00002; gnomAD exomes 0.00005; ExAC 0.00006; 1000 Genomes Project 30x 0.00016; 1000 Genomes Project 0.00020.
gnomAD v4.1: 71 of 1,614,094 alleles (0.0044%); highest among the groups gnomAD compares: East Asian, 0.13%; 1 homozygote.

Submissions (4):

PreventionGenetics, part of Exact Sciences
Classification: Uncertain significance for VCAN-related condition. Last evaluated: 2026-03-09. Review status: criteria provided, single submitter. Criteria: ACMG Guidelines, 2015. Collection method: clinical testing. Allele origin: germline.
Comment: The VCAN c.8362A>G variant is predicted to result in the amino acid substitution p.Met2788Val. To our knowledge, this variant has not been reported in the literature. This variant is reported in 0.038% of alleles in individuals of East Asian descent in gnomAD. At this time, the clinical significance of this variant is uncertain due to the absence of conclusive functional and genetic evidence.

Ambry Genetics
Classification: Likely benign for Inborn genetic diseases. Last evaluated: 2025-07-31. Review status: criteria provided, single submitter. Criteria: Ambry Variant Classification Scheme 2023. Collection method: clinical testing. Allele origin: germline.

Labcorp Genetics (formerly Invitae), Labcorp
Classification: Uncertain significance. Last evaluated: 2025-03-16. Review status: criteria provided, single submitter. Criteria: Invitae Variant Classification Sherloc (09022015). Collection method: clinical testing. Allele origin: germline.
Comment: This sequence change replaces methionine, which is neutral and non-polar, with valine, which is neutral and non-polar, at codon 2788 of the VCAN protein (p.Met2788Val). This variant is present in population databases (rs201444192, gnomAD 0.04%). This variant has not been reported in the literature in individuals affected with VCAN-related conditions. ClinVar contains an entry for this variant (Variation ID: 354458). An algorithm developed to predict the effect of missense changes on protein structure and function outputs the following: PolyPhen-2: "Benign". The valine amino acid residue is found in multiple mammalian species, which suggests that this missense change does not adversely affect protein function. In summary, the available evidence is currently insufficient to determine the role of this variant in disease. Therefore, it has been classified as a Variant of Uncertain Significance.

Illumina Laboratory Services, Illumina
Classification: Benign for Vitreoretinopathy. Last evaluated: 2018-01-13. Review status: criteria provided, single submitter. Criteria: ICSL Variant Classification Criteria 13 December 2019. Collection method: clinical testing. Allele origin: germline.
Comment: This variant was observed in the ICSL laboratory as part of a predisposition screen in an ostensibly healthy population. It had not been previously curated by ICSL or reported in the Human Gene Mutation Database (HGMD: prior to June 1st, 2018), and was therefore a candidate for classification through an automated scoring system. Utilizing variant allele frequency, disease prevalence and penetrance estimates, and inheritance mode, an automated score was calculated to assess if this variant is too frequent to cause the disease. Based on the score and internal cut-off values, a variant classified as benign is not then subjected to further curation. The score for this variant resulted in a classification of benign for this disease.